The following is an entry in ClinVar:

NM_130837.3(OPA1):c.2676G>A (p.Trp892Ter)

Gene: OPA1 (OPA1 mitochondrial dynamin like GTPase; plus strand). Cytogenetic location: 3q29.
Variant type: single nucleotide variant.
Coding change: c.2676G>A on transcript NM_130837.3 (MANE Select); coding-DNA position 2676, G replaced by A.
Protein change: p.Trp892Ter; replaces tryptophan 892 with a stop codon.
Molecular consequence: nonsense.
Genome position (GRCh38, 1-based): chr3:193,664,894, G>A. VCF-style: chr3-193664894-G-A. GRCh37 (hg19) VCF-style: chr3-193382683-G-A.
Other names: c.2142G>A, p.Trp714Ter (NM_001354663.2); c.2139G>A, p.Trp713Ter (NM_001354664.2); c.2511G>A, p.Trp837Ter (NM_015560.3); c.2403G>A, p.Trp801Ter (NM_130831.3); c.2457G>A, p.Trp819Ter (NM_130832.3); c.2514G>A, p.Trp838Ter (NM_130833.3); c.2565G>A, p.Trp855Ter (NM_130834.3); c.2568G>A, p.Trp856Ter (NM_130835.3); and 1 more; short protein forms W713*, W714*, W801*, W837*, W838*, W819*, W874*, W892*.
Identifiers: ClinVar variation 3302321 (VCV003302321.4).

ClinVar aggregate classification (germline): Pathogenic. Review status: criteria provided, multiple submitters, no conflicts (2 of 4 stars). 4 submissions from 4 submitters: Pathogenic (4). Last evaluated 2025-11-27.

Conditions:
OPA1-related disorder. Also called: OPA1-related condition; OPA1-related disorders.
Inborn genetic diseases. Identifiers: MedGen C0950123, MeSH D030342.
Optic neuropathy. Also called: Optic nerve disorder. Identifiers: MedGen C3887709, MONDO:0002135, HP:0001138.

Submissions (4):

Labcorp Genetics (formerly Invitae), Labcorp
Classification: Pathogenic. Last evaluated: 2025-11-27. Review status: criteria provided, single submitter. Criteria: Invitae Variant Classification Sherloc (09022015). Collection method: clinical testing. Allele origin: germline.
Comment: This sequence change creates a premature translational stop signal (p.Trp837*) in the OPA1 gene. It is expected to result in an absent or disrupted protein product. Loss-of-function variants in OPA1 are known to be pathogenic (PMID: 11440988, 20157015, 20952381, 25012220). This variant is not present in population databases (gnomAD no frequency). This premature translational stop signal has been observed in individual(s) with dominant optical atrophy (PMID: 34242285). ClinVar contains an entry for this variant (Variation ID: 3302321). For these reasons, this variant has been classified as Pathogenic.

Genetics Laboratory, Great Ormond Street Hospital NHS Foundation Trust, North Thames Genomic Laboratory Hub
Classification: Pathogenic for Optic neuropathy. Last evaluated: 2025-08-19. Review status: criteria provided, single submitter. Criteria: ACGS Best Practice Guidelines for Variant Classification in Rare Disease 2024 v1.2. Collection method: clinical testing. Allele origin: germline. Affected: yes.
Comment: PM2_moderate, PVS1_very-strong

Ambry Genetics
Classification: Pathogenic for Inborn genetic diseases. Last evaluated: 2024-06-05. Review status: criteria provided, single submitter. Criteria: Ambry Variant Classification Scheme 2023. Collection method: clinical testing. Allele origin: germline.
Comment: The c.2511G>A (p.W837*) alteration, located in exon 25 (coding exon 25) of the OPA1 gene, consists of a G to A substitution at nucleotide position 2511. This changes the amino acid from a tryptophan (W) to a stop codon at amino acid position 837. This alteration is expected to result in loss of function by premature protein truncation or nonsense-mediated mRNA decay. for autosomal dominant OPA1-related optic atrophy and autosomal recessive Behr syndrome; however, its clinical significance for autosomal dominant OPA1-related optic atrophy plus syndrome is unknown This variant was not reported in population-based cohorts in the Genome Aggregation Database (gnomAD). This variant was reported in an individual in an optic atrophy cohort (Weisschuh, 2021). Another alteration at the same codon, c.2510G>A (p.W837*), has also been detected in an individual in an optic atrophy cohort (Puomila, 2005). Based on the available evidence, this alteration is classified as pathogenic.

Blueprint Genetics
Classification: Pathogenic for OPA1-related disorders. Last evaluated: 2020-06-26. Review status: criteria provided, single submitter. Criteria: ACMG Guidelines, 2015. Collection method: clinical testing. Allele origin: germline. Affected: yes. Observed: 1 variant allele.

Literature cited by the submitters: PubMed 11440988 (cited by Labcorp Genetics (formerly Invitae), Labcorp); PubMed 20157015 (cited by Labcorp Genetics (formerly Invitae), Labcorp); PubMed 20952381 (cited by Labcorp Genetics (formerly Invitae), Labcorp); PubMed 25012220 (cited by Labcorp Genetics (formerly Invitae), Labcorp); PubMed 34242285 (cited by Labcorp Genetics (formerly Invitae), Labcorp and Ambry Genetics); PubMed 15948788 (cited by Ambry Genetics).